The following is an entry in ClinVar:

NM_000400.4(ERCC2):c.567G>A (p.Trp189Ter)

Gene: ERCC2 (ERCC excision repair 2, TFIIH core complex helicase subunit; minus strand). Cytogenetic location: 19q13.32.
Variant type: single nucleotide variant.
Coding change: c.567G>A on transcript NM_000400.4 (MANE Select); coding-DNA position 567, G replaced by A.
Protein change: p.Trp189Ter; replaces tryptophan 189 with a stop codon.
Molecular consequence: nonsense.
Genome position (GRCh38, 1-based): chr19:45,364,865, C>T on the plus strand (G>A on the coding strand, the complement: ERCC2 is on the minus strand). VCF-style: chr19-45364865-C-T. GRCh37 (hg19) VCF-style: chr19-45868123-C-T.
Other names: c.495G>A, p.Trp165Ter (NM_001130867.2); short protein forms W165*, W189*.
Identifiers: ClinVar variation 817553 (VCV000817553.4), dbSNP rs377532898, ClinGen allele CA9513741.

ClinVar aggregate classification (germline): Pathogenic/Likely pathogenic. Review status: criteria provided, multiple submitters, no conflicts (2 of 4 stars). 4 submissions from 4 submitters: Pathogenic (2); Likely pathogenic (1). 1 of the submissions does not count toward it. Last evaluated 2024-07-30.

Conditions:
Malignant tumor of urinary bladder. Also called: Bladder cancer; Urinary Bladder Neoplasms; Urinary bladder cancer. Identifiers: MedGen C0005684, MONDO:0001187, OMIM 109800.
ERCC2-related disorder. Also called: ERCC2-related disorders; ERCC2-related conditions; ERCC2-related condition. Identifiers: MedGen CN239291.
Cerebrooculofacioskeletal syndrome 2 (COFS2). Identifiers: MedGen C1853102, MONDO:0012553, OMIM 610756.

Allele frequency attached by ClinVar (database versions not stated): ExAC 0.00001; ESP Exome Variant Server 0.00008; gnomAD exomes 0.00001.
gnomAD v4.1: 13 of 1,613,728 alleles (0.00081%); highest among the groups gnomAD compares: Non-Finnish European, 0.0011%; no homozygotes.

Submissions (4):

Myriad Genetics, Inc.
Classification: Pathogenic for ERCC2-related disorder. Last evaluated: 2024-07-30. Review status: criteria provided, single submitter. Criteria: Myriad Autosomal Dominant, Autosomal Recessive and X-Linked Classification Criteria (2023). Collection method: clinical testing. Allele origin: unknown.
Comment: NM_000400.3(ERCC2):c.567G>A(W189*) is expected to be pathogenic in the context of ERCC2-related disorders. This variant is predicted to lead to an abnormal or absent protein product due to the creation of a premature termination codon in ERCC2, a gene where loss-of-function variants are known to be pathogenic. Please note: this variant was assessed in the context of healthy population screening.

Baylor Genetics
Classification: Likely pathogenic for Cerebrooculofacioskeletal syndrome 2. Last evaluated: 2024-03-18. Review status: criteria provided, single submitter. Criteria: ACMG Guidelines, 2015. Collection method: clinical testing. Allele origin: unknown.

GeneDx
Classification: Pathogenic. Last evaluated: 2019-03-22. Review status: criteria provided, single submitter. Criteria: GeneDx Variant Classification (06012015). Collection method: clinical testing. Allele origin: germline. Affected: yes.
Comment: The W189X variant in the ERCC2 gene has not been reported previously as a pathogenic variant nor as a benign variant, to our knowledge. This variant is predicted to cause loss of normal protein function either through protein truncation or nonsense-mediated mRNA decay. The W189X variant is not observed at a significant frequency in large population cohorts (Lek et al., 2016). We interpret W189X as a pathogenic variant.

Laboratory of Urology, Hospital Clinic de Barcelona
Classification: Pathogenic for Malignant tumor of urinary bladder. Review status: no assertion criteria provided. Collection method: research. Allele origin: somatic. Affected: yes. Not counted in ClinVar's aggregate classification.